The following is an entry in ClinVar:

ClinVar aggregate classification (germline): Uncertain significance (1 of 4 stars; one submission).

Submission:

Women's Health and Genetics/Laboratory Corporation of America, LabCorp
Classification: Uncertain significance. Last evaluated: 2024-10-10. Review status: criteria provided, single submitter. Criteria: LabCorp Variant Classification Summary - May 2015. Collection method: clinical testing. Allele origin: germline.
Comment: Variant summary: CACNA1E c.2143-1G>T is located in a canonical splice-site and is predicted to affect mRNA splicing resulting in a significantly altered protein due to either exon skipping, shortening, or inclusion of intronic material. Variants that disrupt the consensus splice site are a relatively common cause of aberrant splicing, however current evidence is not sufficient to establish loss of function as a mechanism for disease. Several computational tools predict a significant impact on normal splicing: Four predict the variant abolishes a 3 acceptor site. Three predict the variant strengthens a cryptic 3 acceptor site. However, these predictions have yet to be confirmed by functional studies. The variant was absent in 244782 control chromosomes. The available data on variant occurrences in the general population are insufficient to allow any conclusion about variant significance. To our knowledge, no occurrence of c.2143-1G>T in individuals affected with Epileptic Encephalopathy, Early Infantile, 69 and no experimental evidence demonstrating its impact on protein function have been reported. ClinVar contains an entry for this variant (Variation ID: 2691366). Based on the evidence outlined above, the variant was classified as uncertain significance.

NM_001205293.3(CACNA1E):c.2143-1G>T

Gene: CACNA1E (calcium voltage-gated channel subunit alpha1 E; plus strand). Cytogenetic location: 1q25.3.
Variant type: single nucleotide variant.
Coding change: c.2143-1G>T on transcript NM_001205293.3 (MANE Select); the canonical splice acceptor site of the intron before coding-DNA position 2143, G replaced by T.
Molecular consequence: splice acceptor variant.
Genome position (GRCh38, 1-based): chr1:181,726,064, G>T. VCF-style: chr1-181726064-G-T. GRCh37 (hg19) VCF-style: chr1-181695200-G-T.
Other names: c.2143-1G>T (NM_000721.4, NM_001205294.2).
Identifiers: ClinVar variation 2691366 (VCV002691366.2), dbSNP rs2528614381, ClinGen allele CA343628501.
Genomic context (GRCh38, chr1:181,726,064, plus strand): 5'-CAAGGGAAGCTACTCTCCTTCCTGGGGATCCCAGGCAAAGCCATCTCTGCTTTGTGTCTA[G>T]GATGAACAGGAGGAAGAAGAGGCCTTCAACCAGAAACATGCACTGCAGAAGGCCAAGGAG-3'